The following is an entry in ClinVar:

ClinVar aggregate classification (germline): Uncertain significance. Review status: criteria provided, multiple submitters, no conflicts (2 of 4 stars). 2 submissions from 2 submitters: Uncertain significance (2). Last evaluated 2024-09-22.

Conditions:
Hereditary cancer-predisposing syndrome. Also called: Neoplastic Syndromes, Hereditary; Tumor predisposition; Hereditary neoplastic syndrome; Hereditary Cancer Syndrome. Identifiers: Orphanet 140162, MedGen C0027672, MeSH D009386, MONDO:0015356.
Fanconi anemia complementation group J. Also called: BRIP1-Related Fanconi Anemia. Identifiers: Orphanet 84, MedGen C1836860, MONDO:0012187, OMIM 609054.
Familial cancer of breast. Also called: BREAST CANCER, FAMILIAL; Hereditary breast cancer; hereditary breast carcinoma. Identifiers: Orphanet 227535, MedGen C0346153, MONDO:0016419, OMIM 114480. Disease mechanism: loss of function.

Allele frequency attached by ClinVar (database versions not stated): gnomAD exomes below 0.00001.
gnomAD v4.1: 1 of 1,613,458 alleles (0.000062%); highest among the groups gnomAD compares: African/African-American, 0.0013%; no homozygotes.

Submissions (2):

Labcorp Genetics (formerly Invitae), Labcorp
Classification: Uncertain significance for Familial cancer of breast; Fanconi anemia complementation group J. Last evaluated: 2024-09-22. Review status: criteria provided, single submitter. Criteria: Invitae Variant Classification Sherloc (09022015). Collection method: clinical testing. Allele origin: germline.
Comment: This sequence change replaces lysine, which is basic and polar, with glutamic acid, which is acidic and polar, at codon 20 of the BRIP1 protein (p.Lys20Glu). This variant is not present in population databases (gnomAD no frequency). This variant has not been reported in the literature in individuals affected with BRIP1-related conditions. ClinVar contains an entry for this variant (Variation ID: 1750375). Invitae Evidence Modeling of protein sequence and biophysical properties (such as structural, functional, and spatial information, amino acid conservation, physicochemical variation, residue mobility, and thermodynamic stability) indicates that this missense variant is not expected to disrupt BRIP1 protein function with a negative predictive value of 80%. In summary, the available evidence is currently insufficient to determine the role of this variant in disease. Therefore, it has been classified as a Variant of Uncertain Significance.

Ambry Genetics
Classification: Uncertain significance for Hereditary cancer-predisposing syndrome. Last evaluated: 2021-09-23. Review status: criteria provided, single submitter. Criteria: Ambry Variant Classification Scheme 2023. Collection method: clinical testing. Allele origin: germline.
Comment: The p.K20E variant (also known as c.58A>G), located in coding exon 1 of the BRIP1 gene, results from an A to G substitution at nucleotide position 58. The lysine at codon 20 is replaced by glutamic acid, an amino acid with similar properties. This amino acid position is conserved. In addition, this alteration is predicted to be tolerated by in silico analysis. Since supporting evidence is limited at this time, the clinical significance of this alteration remains unclear.

NM_032043.3(BRIP1):c.58A>G (p.Lys20Glu)

Gene: BRIP1 (BRCA1 interacting DNA helicase 1; minus strand). Cytogenetic location: 17q23.2.
Variant type: single nucleotide variant.
Coding change: c.58A>G on transcript NM_032043.3 (MANE Select); coding-DNA position 58, A replaced by G.
Protein change: p.Lys20Glu; replaces lysine 20 with glutamic acid.
Molecular consequence: missense variant.
Genome position (GRCh38, 1-based): chr17:61,861,482, T>C on the plus strand (A>G on the coding strand, the complement: BRIP1 is on the minus strand). VCF-style: chr17-61861482-T-C. GRCh37 (hg19) VCF-style: chr17-59938843-T-C.
Other names: short protein forms K20E.
Identifiers: ClinVar variation 1750375 (VCV001750375.4), dbSNP rs2545480384, ClinGen allele CA400485974.